The following is an entry in ClinVar:

NM_000492.4(CFTR):c.2014G>A (p.Glu672Lys)

Gene: CFTR (CF transmembrane conductance regulator; plus strand). Cytogenetic location: 7q31.2.
Variant type: single nucleotide variant.
Coding change: c.2014G>A on transcript NM_000492.4 (MANE Select); coding-DNA position 2014, G replaced by A.
Protein change: p.Glu672Lys; replaces glutamic acid 672 with lysine.
Molecular consequence: missense variant.
Genome position (GRCh38, 1-based): chr7:117,592,181, G>A. VCF-style: chr7-117592181-G-A. GRCh37 (hg19) VCF-style: chr7-117232235-G-A.
Other names: short protein forms E672K.
Identifiers: ClinVar variation 1784454 (VCV001784454.5), dbSNP rs776194796, ClinGen allele CA4451126.

ClinVar aggregate classification (germline): Uncertain significance. Review status: criteria provided, multiple submitters, no conflicts (2 of 4 stars). 3 submissions from 3 submitters: Uncertain significance (3). Last evaluated 2023-12-02.

Conditions:
Cystic fibrosis (CF). Also called: MUCOVISCIDOSIS. Identifiers: Orphanet 586, MedGen C0010674, MONDO:0009061, OMIM 219700. Disease mechanism: loss of function.

Allele frequency attached by ClinVar (database versions not stated): TOPMed below 0.00001; ExAC 0.00001; gnomAD exomes below 0.00001.
gnomAD v4.1: 3 of 1,613,942 alleles (0.00019%); highest among the groups gnomAD compares: Non-Finnish European, 0.00017%; no homozygotes.

Submissions (3):

Ambry Genetics
Classification: Uncertain significance for Cystic fibrosis. Last evaluated: 2023-12-02. Review status: criteria provided, single submitter. Criteria: Ambry Variant Classification Scheme 2023. Collection method: clinical testing. Allele origin: germline.
Comment: The p.E672K variant (also known as c.2014G>A), located in coding exon 14 of the CFTR gene, results from a G to A substitution at nucleotide position 2014. The glutamic acid at codon 672 is replaced by lysine, an amino acid with similar properties. This amino acid position is conserved. In addition, the in silico prediction for this alteration is inconclusive. Since supporting evidence is limited at this time, the clinical significance of this alteration remains unclear.

Women's Health and Genetics/Laboratory Corporation of America, LabCorp
Classification: Uncertain significance. Last evaluated: 2023-09-15. Review status: criteria provided, single submitter. Criteria: LabCorp Variant Classification Summary - May 2015. Collection method: clinical testing. Allele origin: germline.

Labcorp Genetics (formerly Invitae), Labcorp
Classification: Uncertain significance for Cystic fibrosis. Last evaluated: 2022-06-23. Review status: criteria provided, single submitter. Criteria: Invitae Variant Classification Sherloc (09022015). Collection method: clinical testing. Allele origin: germline.
Comment: This sequence change replaces glutamic acid, which is acidic and polar, with lysine, which is basic and polar, at codon 672 of the CFTR protein (p.Glu672Lys). This variant is present in population databases (rs776194796, gnomAD 0.0009%). This variant has not been reported in the literature in individuals affected with CFTR-related conditions. Algorithms developed to predict the effect of missense changes on protein structure and function (SIFT, PolyPhen-2, Align-GVGD) all suggest that this variant is likely to be tolerated. Algorithms developed to predict the effect of sequence changes on RNA splicing suggest that this variant may disrupt the consensus splice site. In summary, the available evidence is currently insufficient to determine the role of this variant in disease. Therefore, it has been classified as a Variant of Uncertain Significance.